The following is an entry in ClinVar:

ClinVar aggregate classification (germline): Benign. Review status: criteria provided, single submitter (1 of 4 stars). 2 submissions from 2 submitters: Benign (1). 1 of the submissions does not count toward it. Last evaluated 2026-01-20.

Conditions:
ITGAM-related disorder. Also called: ITGAM-related condition.

Allele frequency attached by ClinVar (database versions not stated): 1000 Genomes Project 30x 0.00078; 1000 Genomes Project 0.00080; TOPMed 0.00080; ESP Exome Variant Server 0.00145; ExAC 0.00162; gnomAD 0.00174 and 0.00180; gnomAD exomes 0.00187.
gnomAD v4.1: 2,917 of 1,613,894 alleles (0.18%); highest among the groups gnomAD compares: Non-Finnish European, 0.16%; 12 homozygotes.

Submissions (2):

Labcorp Genetics (formerly Invitae), Labcorp
Classification: Benign. Last evaluated: 2026-01-20. Review status: criteria provided, single submitter. Criteria: Invitae Variant Classification Sherloc (09022015). Collection method: clinical testing. Allele origin: germline.

PreventionGenetics, part of Exact Sciences
Classification: Benign for ITGAM-related condition. Last evaluated: 2019-07-10. Review status: no assertion criteria provided. Collection method: clinical testing. Allele origin: germline. Not counted in ClinVar's aggregate classification.
Comment: This variant is classified as benign based on ACMG/AMP sequence variant interpretation guidelines (Richards et al. 2015 PMID: 25741868, with internal and published modifications).

NM_000632.4(ITGAM):c.953T>A (p.Phe318Tyr)

Gene: ITGAM (integrin subunit alpha M; plus strand). Cytogenetic location: 16p11.2.
Variant type: single nucleotide variant.
Coding change: c.953T>A on transcript NM_000632.4 (MANE Select); coding-DNA position 953, T replaced by A.
Protein change: p.Phe318Tyr; replaces phenylalanine 318 with tyrosine.
Molecular consequence: missense variant.
Genome position (GRCh38, 1-based): chr16:31,275,643, T>A. VCF-style: chr16-31275643-T-A. GRCh37 (hg19) VCF-style: chr16-31286964-T-A.
Other names: c.953T>A (NM_000632.3); c.953T>A, p.Phe318Tyr (NM_001145808.2); short protein forms F318Y.
Identifiers: ClinVar variation 1168701 (VCV001168701.11), dbSNP rs61755177, ClinGen allele CA8025389.